The following is an entry in ClinVar:

ClinVar aggregate classification (germline): Uncertain significance (1 of 4 stars; one submission).

gnomAD v4.1: 19 of 1,613,778 alleles (0.0012%); highest among the groups gnomAD compares: Non-Finnish European, 0.0016%; no homozygotes.

Submission:

Labcorp Genetics (formerly Invitae), Labcorp
Classification: Uncertain significance. Last evaluated: 2025-07-09. Review status: criteria provided, single submitter. Criteria: Invitae Variant Classification Sherloc (09022015). Collection method: clinical testing. Allele origin: germline.
Comment: This sequence change replaces leucine, which is neutral and non-polar, with methionine, which is neutral and non-polar, at codon 551 of the EFTUD2 protein (p.Leu551Met). This variant is present in population databases (rs774563676, gnomAD 0.003%). This variant has not been reported in the literature in individuals affected with EFTUD2-related conditions. ClinVar contains an entry for this variant (Variation ID: 3609216). Invitae Evidence Modeling of protein sequence and biophysical properties (such as structural, functional, and spatial information, amino acid conservation, physicochemical variation, residue mobility, and thermodynamic stability) indicates that this missense variant is expected to disrupt EFTUD2 protein function with a positive predictive value of 80%. In summary, the available evidence is currently insufficient to determine the role of this variant in disease. Therefore, it has been classified as a Variant of Uncertain Significance.

NM_004247.4(EFTUD2):c.1651C>A (p.Leu551Met)

Gene: EFTUD2 (elongation factor Tu GTP binding domain containing 2; minus strand). Cytogenetic location: 17q21.31.
Variant type: single nucleotide variant.
Coding change: c.1651C>A on transcript NM_004247.4 (MANE Select); coding-DNA position 1651, C replaced by A.
Protein change: p.Leu551Met; replaces leucine 551 with methionine.
Molecular consequence: missense variant.
Genome position (GRCh38, 1-based): chr17:44,860,500, G>T on the plus strand (C>A on the coding strand, the complement: EFTUD2 is on the minus strand). VCF-style: chr17-44860500-G-T. GRCh37 (hg19) VCF-style: chr17-42937868-G-T.
Other names: c.1546C>A, p.Leu516Met (NM_001142605.2); c.1651C>A, p.Leu551Met (NM_001258353.2); c.1621C>A, p.Leu541Met (NM_001258354.2); short protein forms L516M, L541M, L551M.
Identifiers: ClinVar variation 3609216 (VCV003609216.2).